The following is an entry in ClinVar:

NM_020759.3(STARD9):c.8932A>G (p.Arg2978Gly)

Gene: STARD9 (StAR related lipid transfer domain containing 9; plus strand). Cytogenetic location: 15q15.2.
Variant type: single nucleotide variant.
Coding change: c.8932A>G on transcript NM_020759.3 (MANE Select); coding-DNA position 8932, A replaced by G.
Protein change: p.Arg2978Gly; replaces arginine 2978 with glycine.
Molecular consequence: missense variant.
Genome position (GRCh38, 1-based): chr15:42,690,510, A>G. VCF-style: chr15-42690510-A-G. GRCh37 (hg19) VCF-style: chr15-42982708-A-G.
Other names: short protein forms R2978G.
Identifiers: ClinVar variation 2379036 (VCV002379036.27), dbSNP rs112745231, ClinGen allele CA7514639.

ClinVar aggregate classification (germline): Conflicting classifications of pathogenicity. Review status: criteria provided, conflicting classifications (1 of 4 stars). 2 submissions from 2 submitters: Uncertain significance (1); Likely benign (1). Last evaluated 2025-08-09.

Allele frequency attached by ClinVar (database versions not stated): TOPMed 0.00016; gnomAD exomes 0.00023; ExAC 0.00029; gnomAD 0.00037.
gnomAD v4.1: 368 of 1,537,062 alleles (0.024%); highest among the groups gnomAD compares: Middle Eastern, 0.05%; no homozygotes.

Submissions (2):

Ambry Genetics
Classification: Uncertain significance. Last evaluated: 2025-08-09. Review status: criteria provided, single submitter. Criteria: Ambry Variant Classification Scheme 2023. Collection method: clinical testing. Allele origin: germline.

CeGaT Center for Human Genetics Tuebingen
Classification: Likely benign. Last evaluated: 2023-08-01. Review status: criteria provided, single submitter. Criteria: CeGaT Center For Human Genetics Tuebingen Variant Classification Criteria Version 2. Collection method: clinical testing. Allele origin: germline. Affected: yes. Observed: 1 variant allele.
Comment: STARD9: BP4